The following is an entry in ClinVar:

ClinVar aggregate classification (germline): Pathogenic (1 of 4 stars; one submission).

Conditions:
Alstrom syndrome (ALMS). Identifiers: Orphanet 64, MedGen C0268425, MONDO:0008763, OMIM 203800.

Submission:

Labcorp Genetics (formerly Invitae), Labcorp
Classification: Pathogenic for Alstrom syndrome. Last evaluated: 2022-07-17. Review status: criteria provided, single submitter. Criteria: Invitae Variant Classification Sherloc (09022015). Collection method: clinical testing. Allele origin: germline.
Comment: This sequence change creates a premature translational stop signal (p.Ile3331Cysfs*2) in the ALMS1 gene. It is expected to result in an absent or disrupted protein product. Loss-of-function variants in ALMS1 are known to be pathogenic (PMID: 17594715). This variant is present in population databases (no rsID available, gnomAD 0.0009%). This variant has not been reported in the literature in individuals affected with ALMS1-related conditions. For these reasons, this variant has been classified as Pathogenic.

Literature cited by the submitters: PubMed 17594715.

NM_001378454.1(ALMS1):c.9981_9987dup (p.Ile3330delinsCysTer)

Gene: ALMS1 (ALMS1 centrosome and basal body associated protein; plus strand). Cytogenetic location: 2p13.1.
Variant type: Duplication.
Coding change: c.9981_9987dup on transcript NM_001378454.1 (MANE Select); coding-DNA positions 9981 to 9987, 7 bases duplicated (TGTTAAC; older notation c.9981_9987dupTGTTAAC).
Protein change: p.Ile3330delinsCysTer.
Molecular consequence: nonsense.
Genome position (GRCh38, 1-based): chr2:73,550,340-73,550,346, TGTTAAC duplicated; duplicating any 7 consecutive bases within chr2:73,550,338-73,550,346 gives the same sequence; the c. name uses the placement nearest the transcript's 3' end. VCF-style (leftmost placement, unchanged base first): chr2-73550337-C-CACTGTTA. GRCh37 (hg19) VCF-style: chr2-73777464-C-CACTGTTA.
Other names: c.9984_9990dup, p.Ile3331delinsCysTer (NM_015120.4).
Identifiers: ClinVar variation 2017868 (VCV002017868.4), dbSNP rs1310777713, ClinGen allele CA534123613.